The following is an entry in ClinVar:

GRCh38/hg38 5q21.2-23.1(chr5:103606667-116462790)x1

Genes: AP3S1 (adaptor related protein complex 3 subunit sigma 1; plus strand), APC (APC regulator of Wnt signaling pathway; plus strand), ARL14EPL (ARF like GTPase 14 effector protein like; plus strand), ATG12 (autophagy related 12; minus strand), CAMK4 (calcium/calmodulin dependent protein kinase IV; plus strand) and 221 more. Cytogenetic location: 5q21.2-23.1.
Variant type: copy number loss.
Change: copy number 1 (one copy instead of two) of chr5:103,606,667-116,462,790 (12.86 Mb, GRCh38 coordinates, 1-based), cytogenetic band 5q21.2-23.1.
Identifiers: ClinVar variation 4857352 (VCV004857352.1).

ClinVar aggregate classification (germline): Pathogenic (1 of 4 stars; one submission).

Conditions:
5q21.2.q23.1 related Intellectual Disability.

Submission:

Department of Clinical Genetics, Aarhus University Hospital
Classification: Pathogenic for 5q21.2.q23.1 related Intellectual Disability. Last evaluated: 2026-05-26. Review status: criteria provided, single submitter. Criteria: ACMG/ClinGen CNV Guidelines, 2019. Collection method: clinical testing. Allele origin: de novo. Inheritance: Autosomal dominant inheritance. Affected: yes.
Comment: The deletion includes 6 OMIM genes including APC and KCNN2. No isolated deletions of KCNN2 is reported in the litterature, but Haploinsufficieny is a known mechanism for KCNN2 related neurodevelomental disorder.

Literature cited by the submitters: PubMed 37510409; PubMed 39780213.